The following is an entry in ClinVar:

ClinVar aggregate classification (germline): Uncertain significance. Review status: criteria provided, multiple submitters, no conflicts (2 of 4 stars). 2 submissions from 2 submitters: Uncertain significance (2). Last evaluated 2024-06-12.

Allele frequency attached by ClinVar (database versions not stated): ExAC 0.00001.
gnomAD v4.1: 2 of 1,610,800 alleles (0.00012%); highest among the groups gnomAD compares: Non-Finnish European, 0.00017%; no homozygotes.

Submissions (2):

Blueprint Genetics
Classification: Uncertain significance. Last evaluated: 2024-06-12. Review status: criteria provided, single submitter. Criteria: ACMG Guidelines, 2015. Collection method: clinical testing. Allele origin: germline.

Labcorp Genetics (formerly Invitae), Labcorp
Classification: Uncertain significance. Last evaluated: 2023-05-26. Review status: criteria provided, single submitter. Criteria: Invitae Variant Classification Sherloc (09022015). Collection method: clinical testing. Allele origin: germline.
Comment: In summary, the available evidence is currently insufficient to determine the role of this variant in disease. Therefore, it has been classified as a Variant of Uncertain Significance. An algorithm developed to predict the effect of missense changes on protein structure and function (PolyPhen-2) suggests that this variant is likely to be disruptive. This variant has not been reported in the literature in individuals affected with RBP4-related conditions. This variant is present in population databases (rs764527292, gnomAD 0.0009%). This sequence change replaces methionine, which is neutral and non-polar, with isoleucine, which is neutral and non-polar, at codon 71 of the RBP4 protein (p.Met71Ile).

NM_006744.4(RBP4):c.213G>A (p.Met71Ile)

Gene: RBP4 (retinol binding protein 4; minus strand). Cytogenetic location: 10q23.33.
Variant type: single nucleotide variant.
Coding change: c.213G>A on transcript NM_006744.4 (MANE Select); coding-DNA position 213, G replaced by A.
Protein change: p.Met71Ile; replaces methionine 71 with isoleucine.
Molecular consequence: missense variant.
Genome position (GRCh38, 1-based): chr10:93,600,702, C>T on the plus strand (G>A on the coding strand, the complement: RBP4 is on the minus strand). VCF-style: chr10-93600702-C-T. GRCh37 (hg19) VCF-style: chr10-95360459-C-T.
Other names: c.213G>A, p.Met71Ile (NM_001323517.1); c.207G>A, p.Met69Ile (NM_001323518.2); short protein forms M69I, M71I.
Identifiers: ClinVar variation 3003050 (VCV003003050.4), dbSNP rs764527292, ClinGen allele CA5609636.
Genomic context (GRCh38, chr10:93,600,702, plus strand): 5'-CGCAGCTGCCCCGGCGGCCACTGACTTCAAAAGACGGACTCGGCCCTTGGCTGTGGCGCT[C>T]ATCTGGCCGGTCTCGTCCACGGAGAACTCCGCGACGATGTTGTCCTGCAGAAAGAGGCCC-3'
Protein context (NP_006735.2, residues 61-81): AEFSVDETGQ[Met71Ile]SATAKGRVRL